The following is an entry in ClinVar:

ClinVar aggregate classification (germline): Uncertain significance. Review status: criteria provided, multiple submitters, no conflicts (2 of 4 stars). 6 submissions from 6 submitters: Uncertain significance (6). Last evaluated 2025-09-10.

Conditions:
Klippel-Feil anomaly-myopathy-facial dysmorphism syndrome. Also called: Klippel-Feil syndrome 4, autosomal recessive, with myopathy and facial dysmorphism; Klippel-feil syndrome 4, autosomal recessive, with nemaline myopathy and facial dysmorphism. Identifiers: Orphanet 447974, MedGen C4225285, MONDO:0014689, OMIM 616549.

Allele frequency attached by ClinVar (database versions not stated): ExAC 0.00002; gnomAD 0.00003; gnomAD exomes 0.00003 and 0.00005; TOPMed 0.00004.
gnomAD v4.1: 84 of 1,614,006 alleles (0.0052%); highest among the groups gnomAD compares: Middle Eastern, 0.033%; no homozygotes.

Submissions (6):

Genomic Medicine Center of Excellence, King Faisal Specialist Hospital and Research Centre
Classification: Uncertain significance for Klippel-Feil anomaly-myopathy-facial dysmorphism syndrome. Last evaluated: 2025-09-10. Review status: criteria provided, single submitter. Criteria: ACMG Guidelines, 2015. Collection method: clinical testing. Allele origin: germline.

CeGaT Center for Human Genetics Tuebingen
Classification: Uncertain significance. Last evaluated: 2025-03-01. Review status: criteria provided, single submitter. Criteria: CeGaT Center For Human Genetics Tuebingen Variant Classification Criteria Version 2. Collection method: clinical testing. Allele origin: germline. Affected: yes. Observed: 1 variant allele.
Comment: MYO18B: PM2, PP3

Blueprint Genetics
Classification: Uncertain significance. Last evaluated: 2024-06-27. Review status: criteria provided, single submitter. Criteria: ACMG Guidelines, 2015. Collection method: clinical testing. Allele origin: germline.

Revvity Omics, Revvity
Classification: Uncertain significance for Klippel-Feil anomaly-myopathy-facial dysmorphism syndrome. Last evaluated: 2023-01-04. Review status: criteria provided, single submitter. Criteria: ACMG Guidelines, 2015. Collection method: clinical testing. Allele origin: germline.

Labcorp Genetics (formerly Invitae), Labcorp
Classification: Uncertain significance. Last evaluated: 2022-03-05. Review status: criteria provided, single submitter. Criteria: Invitae Variant Classification Sherloc (09022015). Collection method: clinical testing. Allele origin: germline.
Comment: This sequence change replaces arginine, which is basic and polar, with tryptophan, which is neutral and slightly polar, at codon 2075 of the MYO18B protein (p.Arg2075Trp). This variant is present in population databases (rs565221932, gnomAD 0.01%). This variant has not been reported in the literature in individuals affected with MYO18B-related conditions. Algorithms developed to predict the effect of missense changes on protein structure and function are either unavailable or do not agree on the potential impact of this missense change (SIFT: "Not Available"; PolyPhen-2: "Probably Damaging"; Align-GVGD: "Not Available"). In summary, the available evidence is currently insufficient to determine the role of this variant in disease. Therefore, it has been classified as a Variant of Uncertain Significance.

Breakthrough Genomics
Classification: Uncertain significance. Review status: criteria provided, single submitter. Criteria: ACMG Guidelines, 2015. Collection method: not provided. Allele origin: germline. Inheritance: Autosomal dominant inheritance. Affected: yes.

NM_032608.7(MYO18B):c.6223C>T (p.Arg2075Trp)

Gene: MYO18B (myosin XVIIIB; plus strand). Cytogenetic location: 22q12.1.
Variant type: single nucleotide variant.
Coding change: c.6223C>T on transcript NM_032608.7 (MANE Select); coding-DNA position 6223, C replaced by T.
Protein change: p.Arg2075Trp; replaces arginine 2075 with tryptophan.
Molecular consequence: missense variant.
Genome position (GRCh38, 1-based): chr22:25,992,429, C>T. VCF-style: chr22-25992429-C-T. GRCh37 (hg19) VCF-style: chr22-26388395-C-T.
Other names: c.6226C>T, p.Arg2076Trp (NM_001318245.2); short protein forms R2075W, R2076W.
Identifiers: ClinVar variation 1428443 (VCV001428443.20), dbSNP rs565221932, ClinGen allele CA10161445.